The following is an entry in ClinVar:

ClinVar aggregate classification (germline): Uncertain significance (1 of 4 stars; one submission).

Allele frequency attached by ClinVar (database versions not stated): ExAC 0.00004; ESP Exome Variant Server 0.00008; TOPMed 0.00008; gnomAD 0.00010; gnomAD exomes 0.00013.
gnomAD v4.1: 207 of 1,613,870 alleles (0.013%); highest among the groups gnomAD compares: Non-Finnish European, 0.017%; 1 homozygote.

Submission:

Labcorp Genetics (formerly Invitae), Labcorp
Classification: Uncertain significance. Last evaluated: 2022-07-01. Review status: criteria provided, single submitter. Criteria: Invitae Variant Classification Sherloc (09022015). Collection method: clinical testing. Allele origin: germline.
Comment: This sequence change replaces proline, which is neutral and non-polar, with serine, which is neutral and polar, at codon 416 of the TMPRSS15 protein (p.Pro416Ser). This variant is present in population databases (rs371189471, gnomAD 0.01%). This variant has not been reported in the literature in individuals affected with TMPRSS15-related conditions. Algorithms developed to predict the effect of missense changes on protein structure and function are either unavailable or do not agree on the potential impact of this missense change (SIFT: "Not Available"; PolyPhen-2: "Benign"; Align-GVGD: "Not Available"). In summary, the available evidence is currently insufficient to determine the role of this variant in disease. Therefore, it has been classified as a Variant of Uncertain Significance.

NM_002772.3(TMPRSS15):c.1246C>T (p.Pro416Ser)

Gene: TMPRSS15 (transmembrane serine protease 15; minus strand). Cytogenetic location: 21q21.1.
Variant type: single nucleotide variant.
Coding change: c.1246C>T on transcript NM_002772.3 (MANE Select); coding-DNA position 1246, C replaced by T.
Protein change: p.Pro416Ser; replaces proline 416 with serine.
Molecular consequence: missense variant.
Genome position (GRCh38, 1-based): chr21:18,343,986, G>A on the plus strand (C>T on the coding strand, the complement: TMPRSS15 is on the minus strand). VCF-style: chr21-18343986-G-A. GRCh37 (hg19) VCF-style: chr21-19716303-G-A.
Other names: short protein forms P416S.
Identifiers: ClinVar variation 2181701 (VCV002181701.1), dbSNP rs371189471, ClinGen allele CA9984501.